The following is an entry in ClinVar:

NM_144997.7(FLCN):c.1465G>T (p.Ala489Ser)

Gene: FLCN (folliculin; minus strand). Cytogenetic location: 17p11.2.
Variant type: single nucleotide variant.
Coding change: c.1465G>T on transcript NM_144997.7 (MANE Select); coding-DNA position 1465, G replaced by T.
Protein change: p.Ala489Ser; replaces alanine 489 with serine.
Molecular consequence: missense variant.
Genome position (GRCh38, 1-based): chr17:17,215,058, C>A on the plus strand (G>T on the coding strand, the complement: FLCN is on the minus strand). VCF-style: chr17-17215058-C-A. GRCh37 (hg19) VCF-style: chr17-17118372-C-A.
Other names: c.1519G>T, p.Ala507Ser (NM_001353229.2); c.1465G>T, p.Ala489Ser (NM_001353230.2, NM_001353231.2); short protein forms A507S, A489S.
Identifiers: ClinVar variation 4257915 (VCV004257915.1).

ClinVar aggregate classification (germline): Uncertain significance (1 of 4 stars; one submission).

Conditions:
Hereditary cancer-predisposing syndrome. Also called: Hereditary Cancer Syndrome; Hereditary neoplastic syndrome; Neoplastic Syndromes, Hereditary; Tumor predisposition. Identifiers: Orphanet 140162, MedGen C0027672, MeSH D009386, MONDO:0015356.

gnomAD v4.1: 2 of 1,614,050 alleles (0.00012%); highest among the groups gnomAD compares: Admixed American, 0.0017%; no homozygotes.

Submission:

Ambry Genetics
Classification: Uncertain significance for Hereditary cancer-predisposing syndrome. Last evaluated: 2025-06-24. Review status: criteria provided, single submitter. Criteria: Ambry Variant Classification Scheme 2023. Collection method: clinical testing. Allele origin: germline.
Comment: The p.A489S variant (also known as c.1465G>T), located in coding exon 10 of the FLCN gene, results from a G to T substitution at nucleotide position 1465. The alanine at codon 489 is replaced by serine, an amino acid with similar properties. This amino acid position is highly conserved in available vertebrate species. In addition, the in silico prediction for this alteration is inconclusive. Based on the available evidence, the clinical significance of this variant remains unclear.